The following is an entry in ClinVar:

ClinVar aggregate classification (germline): Likely pathogenic (1 of 4 stars; one submission).

Conditions:
Stickler syndrome type 2 (STL2). Also called: STICKLER SYNDROME, TYPE II; STICKLER SYNDROME, BEADED VITREOUS TYPE; STICKLER SYNDROME, VITREOUS TYPE 2; COL11A1-Related Stickler Syndrome. Identifiers: Orphanet 828, Orphanet 90654, MedGen C1858084, MONDO:0011493, OMIM 604841.

Submission:

Victorian Clinical Genetics Services, Murdoch Childrens Research Institute
Classification: Likely pathogenic for Stickler syndrome type 2. Last evaluated: 2022-06-24. Review status: criteria provided, single submitter. Criteria: ACMG Guidelines, 2015. Collection method: clinical testing. Allele origin: germline. Inheritance: Autosomal dominant inheritance. Affected: yes.
Comment: Based on the classification scheme VCGS_Germline_v1.3.4, this variant is classified as likely pathogenic. Following criteria are met: 0102 - Loss of function is a known mechanism of disease in this gene and is associated with COL11A1-related skeletal dysplasias and autosomal dominant deafness 37 (MIM#618533). Dominant negative is also a suggested mechanism (OMIM). (I) 0108 - This gene is associated with both recessive and dominant disease. Both missense variants and those predicted to result in a truncated protein have been reported to cause both recessive and dominant modes of disease. Marshall syndrome and Stickler syndrome have been reported with both dominant and recessive modes of inheritance (PMID: 32578940, PMID: 25073711), whereas the latter is usually caused by variants within exon 9. (I) 0115 - Variants in this gene causing Stickler syndrome are known to have variable expressivity (PMID: 27081569). (I) 0200 - Variant is predicted to result in a missense amino acid change from glycine to alanine. (I) 0251 - This variant is heterozygous. (I) 0301 - Variant is absent from gnomAD (both v2 and v3). (SP) 0501 - Missense variant consistently predicted to be damaging by multiple in silico tools or highly conserved with a major amino acid change. (SP) 0601 - Variant is located in the well-established functional triple helical region. This variant disrupts the glycine within a G-X-Y repeat motif, a common variant type within this gene (PMID: 27081569). (SP) 0705 - No comparable missense variants have previous evidence for pathogenicity. (I) 0807 - This variant has no previous evidence of pathogenicity. (I) 0905 - No published segregation evidence has been identified for this variant. (I) 1007 - No published functional evidence has been identified for this variant. (I) Legend: (SP) - Supporting pathogenic, (I) - Information, (SB) - Supporting benign

Literature cited by the submitters: PubMed 25073711; PubMed 27081569; PubMed 32578940.

NM_001854.4(COL11A1):c.2135G>C (p.Gly712Ala)

Gene: COL11A1 (collagen type XI alpha 1 chain; minus strand). Cytogenetic location: 1p21.1.
Variant type: single nucleotide variant.
Coding change: c.2135G>C on transcript NM_001854.4 (MANE Select); coding-DNA position 2135, G replaced by C.
Protein change: p.Gly712Ala; replaces glycine 712 with alanine.
Molecular consequence: missense variant. On other transcripts: non-coding transcript variant (1).
Genome position (GRCh38, 1-based): chr1:103,001,932, C>G on the plus strand (G>C on the coding strand, the complement: COL11A1 is on the minus strand). VCF-style: chr1-103001932-C-G. GRCh37 (hg19) VCF-style: chr1-103467488-C-G.
Other names: c.2018G>C, p.Gly673Ala (NM_001190709.2); c.2171G>C, p.Gly724Ala (NM_080629.3); c.1787G>C, p.Gly596Ala (NM_080630.4); short protein forms G596A, G673A, G712A, G724A.
Identifiers: ClinVar variation 3376600 (VCV003376600.1).
Genomic context (GRCh38, chr1:103,001,932, plus strand): 5'-TTGCTAAAACAAACATGTTCACCAGGCTTTACGAGAACAACAGAGTAACTTACTTTTTCA[C>G]CAGGAGGACCAATTGGACCTTGTGGACCAGGAAGACCCTATTTTAAAAGAATTTATTTCA-3'
Protein context (NP_001845.3, residues 702-722): PGPQGPIGPP[Gly712Ala]EKGPQGKPGL